The following is an entry in ClinVar:

ClinVar aggregate classification (germline): Conflicting classifications of pathogenicity. Review status: criteria provided, conflicting classifications (1 of 4 stars). 5 submissions from 5 submitters: Uncertain significance (2); Likely benign (2). 1 of the submissions does not count toward it. Last evaluated 2025-08-20.

Conditions:
PLEC-related disorder. Also called: PLEC-related condition; PLEC-related disorders.
Epidermolysis bullosa simplex with nail dystrophy (EBS5D). Identifiers: MedGen C4225309, MONDO:0014661, OMIM 616487.
Epidermolysis bullosa simplex 5B, with muscular dystrophy (EBS5B). Also called: Epidermolysis bullosa simplex with muscular dystrophy; EPIDERMOLYSIS BULLOSA SIMPLEX AND LIMB-GIRDLE MUSCULAR DYSTROPHY. Identifiers: Orphanet 257, MedGen C2931072, MONDO:0009181, OMIM 226670.
Autosomal recessive limb-girdle muscular dystrophy type 2Q (LGMDR17). Also called: MUSCULAR DYSTROPHY, LIMB-GIRDLE, AUTOSOMAL RECESSIVE 17. Identifiers: Orphanet 254361, MedGen C3150989, MONDO:0013390, OMIM 613723.
Epidermolysis bullosa simplex 5C, with pyloric atresia (EBS5C). Also called: PLEC1-Related Epidermolysis Bullosa with Pyloric Atresia; PLEC-Related Epidermolysis Bullosa with Pyloric Atresia; Epidermolysis bullosa simplex with pyloric atresia. Identifiers: Orphanet 158684, MedGen C2677349, MONDO:0012807, OMIM 612138.
Epidermolysis bullosa simplex, Ogna type (EBS5A). Also called: EPIDERMOLYSIS BULLOSA SIMPLEX 5A, OGNA TYPE; Pidermolysis bullosa simplex 5A, Ogna type. Identifiers: Orphanet 79401, MedGen C0432317, MONDO:0007555, OMIM 131950.

Allele frequency attached by ClinVar (database versions not stated): ExAC below 0.00001; gnomAD 0.00006 and 0.00007; gnomAD exomes 0.00006 and 0.00008; TOPMed 0.00006; 1000 Genomes Project 30x 0.00016; 1000 Genomes Project 0.00020.
gnomAD v4.1: 122 of 1,546,796 alleles (0.0079%); highest among the groups gnomAD compares: Non-Finnish European, 0.01%; no homozygotes.

Submissions (5):

Labcorp Genetics (formerly Invitae), Labcorp
Classification: Likely benign for Autosomal recessive limb-girdle muscular dystrophy type 2Q; Epidermolysis bullosa simplex, Ogna type; Epidermolysis bullosa simplex with nail dystrophy; Epidermolysis bullosa simplex 5C, with pyloric atresia; Epidermolysis bullosa simplex 5B, with muscular dystrophy. Last evaluated: 2025-08-20. Review status: criteria provided, single submitter. Criteria: Invitae Variant Classification Sherloc (09022015). Collection method: clinical testing. Allele origin: germline.

Revvity Omics, Revvity
Classification: Uncertain significance. Last evaluated: 2025-05-30. Review status: criteria provided, single submitter. Criteria: ACMG Guidelines, 2015. Collection method: clinical testing. Allele origin: germline.

Blueprint Genetics
Classification: Likely benign. Last evaluated: 2024-05-30. Review status: criteria provided, single submitter. Criteria: ACMG Guidelines, 2015. Collection method: clinical testing. Allele origin: germline.

Eurofins Ntd Llc (ga)
Classification: Uncertain significance. Last evaluated: 2015-05-13. Review status: criteria provided, single submitter. Criteria: EGL Classification Definitions 2015. Collection method: clinical testing. Allele origin: germline. Observed: 2 variant alleles, 2 heterozygotes.

PreventionGenetics, part of Exact Sciences
Classification: Likely benign for PLEC-related condition. Last evaluated: 2021-07-28. Review status: no assertion criteria provided. Collection method: clinical testing. Allele origin: germline. Not counted in ClinVar's aggregate classification.
Comment: This variant is classified as likely benign based on ACMG/AMP sequence variant interpretation guidelines (Richards et al. 2015 PMID: 25741868, with internal and published modifications).

NM_201384.3(PLEC):c.4839G>A (p.Arg1613=)

Gene: PLEC (plectin; minus strand). Cytogenetic location: 8q24.3.
Variant type: single nucleotide variant.
Coding change: c.4839G>A on transcript NM_201384.3 (MANE Select); coding-DNA position 4839, G replaced by A.
Protein change: p.Arg1613=; no amino-acid change (arginine 1613 retained).
Molecular consequence: synonymous variant.
Genome position (GRCh38, 1-based): chr8:143,925,090, C>T on the plus strand (G>A on the coding strand, the complement: PLEC is on the minus strand). VCF-style: chr8-143925090-C-T. GRCh37 (hg19) VCF-style: chr8-144999258-C-T.
Other names: c.4920G>A, p.Arg1640= (NM_000445.5); c.4797G>A, p.Arg1599= (NM_201378.4); c.4773G>A, p.Arg1591= (NM_201379.3); c.5250G>A, p.Arg1750= (NM_201380.4); c.4743G>A, p.Arg1581= (NM_201381.3); c.4839G>A, p.Arg1613= (NM_201382.4); c.4851G>A, p.Arg1617= (NM_201383.3); c.4920G>A (NM_000445.4).
Identifiers: ClinVar variation 196718 (VCV000196718.16), dbSNP rs554561043, ClinGen allele CA243804.